The following is an entry in ClinVar:

ClinVar aggregate classification (germline): Uncertain significance (1 of 4 stars; one submission).

gnomAD v4.1: 1 of 1,613,948 alleles (0.000062%); highest among the groups gnomAD compares: South Asian, 0.0011%; no homozygotes.

Submission:

Labcorp Genetics (formerly Invitae), Labcorp
Classification: Uncertain significance. Last evaluated: 2024-04-18. Review status: criteria provided, single submitter. Criteria: Invitae Variant Classification Sherloc (09022015). Collection method: clinical testing. Allele origin: germline.
Comment: This sequence change replaces threonine, which is neutral and polar, with alanine, which is neutral and non-polar, at codon 260 of the FH protein (p.Thr260Ala). This variant is not present in population databases (gnomAD no frequency). This variant has not been reported in the literature in individuals affected with FH-related conditions. Advanced modeling of protein sequence and biophysical properties (such as structural, functional, and spatial information, amino acid conservation, physicochemical variation, residue mobility, and thermodynamic stability) performed at Invitae indicates that this missense variant is not expected to disrupt FH protein function with a negative predictive value of 95%. In summary, the available evidence is currently insufficient to determine the role of this variant in disease. Therefore, it has been classified as a Variant of Uncertain Significance.

NM_000143.4(FH):c.778A>G (p.Thr260Ala)

Gene: FH (fumarate hydratase; minus strand). Cytogenetic location: 1q43.
Variant type: single nucleotide variant.
Coding change: c.778A>G on transcript NM_000143.4 (MANE Select); coding-DNA position 778, A replaced by G.
Protein change: p.Thr260Ala; replaces threonine 260 with alanine.
Molecular consequence: missense variant.
Genome position (GRCh38, 1-based): chr1:241,506,129, T>C on the plus strand (A>G on the coding strand, the complement: FH is on the minus strand). VCF-style: chr1-241506129-T-C. GRCh37 (hg19) VCF-style: chr1-241669429-T-C.
Other names: short protein forms T260A.
Identifiers: ClinVar variation 3610667 (VCV003610667.2).
Genomic context (GRCh38, chr1:241,506,129, plus strand): 5'-CAACAGCAGTGCCTCCAGCTGCGAGCTCATAGATTCTTGGCATGGCAGCTTTTATTCTTG[T>C]CATTGCATATTTTACTTGTTGAACATAACCACTAAATTCCTGAAAAGAAAAGAAAATTAA-3'
Protein context (NP_000134.2, residues 250-270): GYVQQVKYAM[Thr260Ala]RIKAAMPRIY